The following is an entry in ClinVar:

NM_000444.6(PHEX):c.1586+2T>A

Gene: PHEX (phosphate regulating endopeptidase X-linked; plus strand). Cytogenetic location: Xp22.11.
Variant type: single nucleotide variant.
Coding change: c.1586+2T>A on transcript NM_000444.6 (MANE Select); the canonical splice donor site of the intron after coding-DNA position 1586, T replaced by A.
Molecular consequence: splice donor variant.
Genome position (GRCh38, 1-based): chrX:22,178,378, T>A. VCF-style: chrX-22178378-T-A. GRCh37 (hg19) VCF-style: chrX-22196495-T-A.
Other names: c.1586+2T>A (NM_001282754.2).
Identifiers: ClinVar variation 373371 (VCV000373371.3), dbSNP rs1057518377, ClinGen allele CA16043212.

ClinVar aggregate classification (germline): Pathogenic. Review status: criteria provided, multiple submitters, no conflicts (2 of 4 stars). 2 submissions from 2 submitters: Pathogenic (2). Last evaluated 2025-05-18.

Conditions:
Familial X-linked hypophosphatemic vitamin D refractory rickets (XLHRD). Also called: X-Linked Hypophosphatemia; Hypophosphatemia, vitamin D-resistant rickets; Vitamin D-resistant rickets, X-linked; Hypophosphatemic Rickets, X-Linked Dominant; HYPOPHOSPHATEMIC VITAMIN D-RESISTANT RICKETS. Identifiers: Orphanet 89936, MedGen C0733682, MONDO:0010619, OMIM 307800.

Submissions (2):

3billion
Classification: Pathogenic for Familial X-linked hypophosphatemic vitamin D refractory rickets. Last evaluated: 2025-05-18. Review status: criteria provided, single submitter. Criteria: ACMG Guidelines, 2015. Collection method: clinical testing. Allele origin: germline. Affected: yes.
Comment: The variant is not observed in the gnomAD v4.1.0 dataset. Predicted Consequence/Location: Canonical splice site: predicted to alter splicing and result in a loss or disruption of normal protein function. Multiple pathogenic loss-of-function variants are reported downstream of the variant. The variant has been reported to be associated with PHEX-related disorder (ClinVar ID: VCV000373371 /PMID: 34806794). Therefore, this variant is classified as Pathogenic according to the recommendation of ACMG/AMP guideline.

GeneDx
Classification: Pathogenic. Last evaluated: 2016-11-10. Review status: criteria provided, single submitter. Criteria: GeneDx Variant Classification (06012015). Collection method: clinical testing. Allele origin: germline. Affected: yes.
Comment: The c.1586+2 T>A splice site variant in the PHEX gene destroys the canonical splice donor site in intron 14. It is predicted to cause abnormal gene splicing, either leading to an abnormal message that is subject to nonsense-mediated mRNA decay, or to an abnormal protein product if the message is used for protein translation. The c.1586+2 T>A variant was not observed in approximately 6,500 individuals of European and African American ancestry in the NHLBI Exome Sequencing Project, indicating it is not a common benign variant in these populations. Although this pathogenic variant has not been previously reported to our knowledge, its presence is consistent with the diagnosis of X-linked hypophosphatemic rickets.

Literature cited by the submitters: PubMed 34806794 (cited by 3billion).